The following is an entry in ClinVar:

ClinVar aggregate classification (germline): Uncertain significance (1 of 4 stars; one submission).

gnomAD v4.1: 5 of 1,599,486 alleles (0.00031%); highest among the groups gnomAD compares: East Asian, 0.011%; no homozygotes.

Submission:

Mayo Clinic Laboratories, Mayo Clinic
Classification: Uncertain significance. Last evaluated: 2024-07-30. Review status: criteria provided, single submitter. Criteria: ACMG Guidelines, 2015. Collection method: clinical testing. Allele origin: germline. Observed: 1 variant allele.
Comment: PM2

NM_020821.3(VPS13C):c.1296G>A (p.Leu432=)

Gene: VPS13C (vacuolar protein sorting 13 homolog C; minus strand). Cytogenetic location: 15q22.2.
Variant type: single nucleotide variant.
Coding change: c.1296G>A on transcript NM_020821.3 (MANE Select); coding-DNA position 1296, G replaced by A.
Protein change: p.Leu432=; no amino-acid change (leucine 432 retained).
Molecular consequence: synonymous variant.
Genome position (GRCh38, 1-based): chr15:62,000,621, C>T on the plus strand (G>A on the coding strand, the complement: VPS13C is on the minus strand). VCF-style: chr15-62000621-C-T. GRCh37 (hg19) VCF-style: chr15-62292820-C-T.
Other names: p.Leu432=; c.1296G>A, p.Leu432= (NM_001018088.3); c.1167G>A, p.Leu389= (NM_017684.5, NM_018080.4).
Identifiers: ClinVar variation 3380298 (VCV003380298.1).
Genomic context (GRCh38, chr15:62,000,621, plus strand): 5'-TACCTCAACTTGTGCTTGTTGCCTTGCTAAAATTATGTTAAAAACATCTAGAGTCTTCTC[C>T]AAGTCCTGTAAAAAACAGAGGCACTTATAAACAAGAAATTTAATCATTAGATAAAAGAAA-3'
Protein context (NP_065872.1, residues 422-442): SEEIQKEIQD[Leu432=]EKTLDVFNII